The following is an entry in ClinVar:

ClinVar aggregate classification (germline): Uncertain significance (1 of 4 stars; one submission).

Submission:

Labcorp Genetics (formerly Invitae), Labcorp
Classification: Uncertain significance. Last evaluated: 2025-08-18. Review status: criteria provided, single submitter. Criteria: Invitae Variant Classification Sherloc (09022015). Collection method: clinical testing. Allele origin: germline.
Comment: This sequence change replaces glycine, which is neutral and non-polar, with aspartic acid, which is acidic and polar, at codon 127 of the DNA2 protein (p.Gly127Asp). This variant is not present in population databases (gnomAD no frequency). This variant has not been reported in the literature in individuals affected with DNA2-related conditions. Invitae Evidence Modeling of protein sequence and biophysical properties (such as structural, functional, and spatial information, amino acid conservation, physicochemical variation, residue mobility, and thermodynamic stability) indicates that this missense variant is expected to disrupt DNA2 protein function with a positive predictive value of 80%. In summary, the available evidence is currently insufficient to determine the role of this variant in disease. Therefore, it has been classified as a Variant of Uncertain Significance.

NM_001080449.3(DNA2):c.380G>A (p.Gly127Asp)

Gene: DNA2 (DNA replication helicase/nuclease 2; minus strand). Cytogenetic location: 10q21.3.
Variant type: single nucleotide variant.
Coding change: c.380G>A on transcript NM_001080449.3 (MANE Select); coding-DNA position 380, G replaced by A.
Protein change: p.Gly127Asp; replaces glycine 127 with aspartic acid.
Molecular consequence: missense variant. On other transcripts: non-coding transcript variant (1).
Genome position (GRCh38, 1-based): chr10:68,468,184, C>T on the plus strand (G>A on the coding strand, the complement: DNA2 is on the minus strand). VCF-style: chr10-68468184-C-T. GRCh37 (hg19) VCF-style: chr10-70227941-C-T.
Other names: short protein forms G127D.
Identifiers: ClinVar variation 4743855 (VCV004743855.1).